The following is an entry in ClinVar:

NM_004311.4(ARL3):c.4-3A>T

Gene: ARL3 (ARF like GTPase 3; minus strand). Cytogenetic location: 10q24.32.
Variant type: single nucleotide variant.
Coding change: c.4-3A>T on transcript NM_004311.4 (MANE Select); 3 bases into the intron before coding-DNA position 4, A replaced by T.
Molecular consequence: intron variant.
Genome position (GRCh38, 1-based): chr10:102,705,492, T>A on the plus strand (A>T on the coding strand, the complement: ARL3 is on the minus strand). VCF-style: chr10-102705492-T-A. GRCh37 (hg19) VCF-style: chr10-104465249-T-A.
Identifiers: ClinVar variation 2002365 (VCV002002365.4), dbSNP rs755466765, ClinGen allele CA212266278.
Genomic context (GRCh38, chr10:102,705,492, plus strand): 5'-GTATTCTCACCTCCTGGTCTGGTGCACTTTTCAACTTGCGCAAAATTGAGAGCAAGCCCT[T>A]CAACAACCACAAAGGAGACAGATTACTCTGGGGGCACTGACTGTGATATTAACTGGATAT-3'

ClinVar aggregate classification (germline): Uncertain significance (1 of 4 stars; one submission).

Allele frequency attached by ClinVar (database versions not stated): gnomAD 0.00001; gnomAD exomes 0.00001.

Submission:

Labcorp Genetics (formerly Invitae), Labcorp
Classification: Uncertain significance. Last evaluated: 2023-07-10. Review status: criteria provided, single submitter. Criteria: Invitae Variant Classification Sherloc (09022015). Collection method: clinical testing. Allele origin: germline.
Comment: Variants that disrupt the consensus splice site are a relatively common cause of aberrant splicing (PMID: 17576681, 9536098). Algorithms developed to predict the effect of sequence changes on RNA splicing suggest that this variant is not likely to affect RNA splicing. ClinVar contains an entry for this variant (Variation ID: 2002365). This variant has not been reported in the literature in individuals affected with ARL3-related conditions. This variant is not present in population databases (gnomAD no frequency). This sequence change falls in intron 1 of the ARL3 gene. It does not directly change the encoded amino acid sequence of the ARL3 protein. It affects a nucleotide within the consensus splice site. In summary, the available evidence is currently insufficient to determine the role of this variant in disease. Therefore, it has been classified as a Variant of Uncertain Significance.

Literature cited by the submitters: PubMed 17576681; PubMed 9536098.